The following is an entry in ClinVar:

NM_012199.5(AGO1):c.1067A>G (p.Asp356Gly)

Gene: AGO1 (argonaute RISC component 1; plus strand). Cytogenetic location: 1p34.3.
Variant type: single nucleotide variant.
Coding change: c.1067A>G on transcript NM_012199.5 (MANE Select); coding-DNA position 1067, A replaced by G.
Protein change: p.Asp356Gly; replaces aspartic acid 356 with glycine.
Molecular consequence: missense variant.
Genome position (GRCh38, 1-based): chr1:35,901,520, A>G. VCF-style: chr1-35901520-A-G. GRCh37 (hg19) VCF-style: chr1-36367121-A-G.
Other names: c.1067A>G, p.Asp356Gly (NM_001317122.2); c.842A>G, p.Asp281Gly (NM_001317123.2); short protein forms D281G, D356G.
Identifiers: ClinVar variation 4082190 (VCV004082190.1).

ClinVar aggregate classification (germline): Likely pathogenic (1 of 4 stars; one submission).

Conditions:
Neurodevelopmental disorder with language delay and behavioral abnormalities, with or without seizures (NEDLBAS). Identifiers: MedGen C5830365, MONDO:0859531, OMIM 620292.

Submission:

Kasturba Medical College, Manipal, Kasturba Medical College, Manipal, Manipal Academy of Higher Education, Manipal, India
Classification: Likely pathogenic for Neurodevelopmental disorder with language delay and behavioral abnormalities, with or without seizures. Review status: criteria provided, single submitter. Criteria: ACMG Guidelines, 2015. Collection method: research. Allele origin: de novo. Inheritance: Autosomal dominant inheritance. Affected: yes. Observed: 1 heterozygote.
Comment: This variant is not observed in homozygous and/or heterozygous state in gnomAD database (v4.1.0) and our in-house data of 3793 exomes. In silico prediction tools (CADD_phred, REVEL) are consistent in predicting the variant to be damaging to AGO1 protein function.